The following is an entry in ClinVar:

NM_080425.4(GNAS):c.1654C>T (p.Arg552Trp)

Gene: GNAS (GNAS complex locus; plus strand). Cytogenetic location: 20q13.32.
Variant type: single nucleotide variant.
Coding change: c.1654C>T on transcript NM_080425.4 (MANE Plus Clinical); coding-DNA position 1654, C replaced by T.
Protein change: p.Arg552Trp; replaces arginine 552 with tryptophan.
Molecular consequence: missense variant. On other transcripts: synonymous variant (2), intron variant (3).
Genome position (GRCh38, 1-based): chr20:58,854,919, C>T. VCF-style: chr20-58854919-C-T. GRCh37 (hg19) VCF-style: chr20-57429974-C-T.
Other names: c.1467C>T, p.Gly489= (NM_001077490.3, NM_001309883.1); c.1654C>T, p.Arg552Trp (NM_001410913.1); c.*42+14033C>T (NM_016592.5); c.43+14033C>T (NM_001410912.1); c.-39+13044C>T (NM_001309861.2); short protein forms R552W.
Identifiers: ClinVar variation 3036350 (VCV003036350.3), dbSNP rs777724027, ClinGen allele CA409461366.
Genomic context (GRCh38, chr20:58,854,919, plus strand): 5'-AGCCCCGAGATCCAGGCTGCCGATCCGCCTACTCCGCGGCCTACTCGCGCGTCTGCCTGG[C>T]GGGGCAAGTCCGAGAGCAGCCGCGGCCGCCGCGTGTACTACGATGAAGGGGTGGCCAGCA-3'
Protein context (NP_536350.2, residues 542-562): TPRPTRASAW[Arg552Trp]GKSESSRGRR

ClinVar aggregate classification (germline): Uncertain significance (1 of 4 stars; one submission).

Conditions:
GNAS-related disorder. Identifiers: MedGen CN380105.

Allele frequency attached by ClinVar (database versions not stated): gnomAD 0.00001.
gnomAD v4.1: 17 of 1,598,800 alleles (0.0011%); highest among the groups gnomAD compares: East Asian, 0.034%; no homozygotes.

Submission:

PreventionGenetics, part of Exact Sciences
Classification: Uncertain significance for GNAS-related condition. Last evaluated: 2025-09-15. Review status: criteria provided, single submitter. Criteria: ACMG Guidelines, 2015. Collection method: clinical testing. Allele origin: germline.
Comment: The GNAS c.1654C>T variant is predicted to result in the amino acid substitution p.Arg552Trp. This variant corresponds to a precoding variant in the primary transcript of this gene (NM_000516:c.-36808C>T). To our knowledge, this variant has not been reported in the literature. This variant has been reported in 0.0064% of alleles in a population of East Asian descent in gnomAD. At this time, the clinical significance of this variant is uncertain due to the absence of conclusive functional and genetic evidence.